The following is an entry in ClinVar:

NM_001135649.3(FOXI3):c.287C>A (p.Pro96Gln)

Gene: FOXI3 (forkhead box I3; minus strand). Cytogenetic location: 2p11.2.
Variant type: single nucleotide variant.
Coding change: c.287C>A on transcript NM_001135649.3 (MANE Select); coding-DNA position 287, C replaced by A.
Protein change: p.Pro96Gln; replaces proline 96 with glutamine.
Molecular consequence: missense variant.
Genome position (GRCh38, 1-based): chr2:88,452,249, G>T on the plus strand (C>A on the coding strand, the complement: FOXI3 is on the minus strand). VCF-style: chr2-88452249-G-T. GRCh37 (hg19) VCF-style: chr2-88751767-G-T.
Other names: short protein forms P96Q.
Identifiers: ClinVar variation 4702890 (VCV004702890.1).

ClinVar aggregate classification (germline): Uncertain significance (1 of 4 stars; one submission).

gnomAD v4.1: 1 of 1,037,522 alleles (0.000096%); highest among the groups gnomAD compares: Non-Finnish European, 0.00012%; no homozygotes.

Submission:

Labcorp Genetics (formerly Invitae), Labcorp
Classification: Uncertain significance. Last evaluated: 2025-08-09. Review status: criteria provided, single submitter. Criteria: Invitae Variant Classification Sherloc (09022015). Collection method: clinical testing. Allele origin: germline.
Comment: This sequence change replaces proline, which is neutral and non-polar, with glutamine, which is neutral and polar, at codon 96 of the FOXI3 protein (p.Pro96Gln). The frequency data for this variant in the population databases is considered unreliable, as metrics indicate insufficient coverage at this position in the gnomAD database. This variant has not been reported in the literature in individuals affected with FOXI3-related conditions. Experimental studies and prediction algorithms are not available or were not evaluated, and the functional significance of this variant is currently unknown. In summary, the available evidence is currently insufficient to determine the role of this variant in disease. Therefore, it has been classified as a Variant of Uncertain Significance.